The following is an entry in ClinVar:

ClinVar aggregate classification (germline): Benign (3 of 4 stars; one submission).

Conditions:
Lynch syndrome. Identifiers: Orphanet 144, MedGen C4552100, MONDO:0005835. Disease mechanism: loss of function.

Allele frequency attached by ClinVar (database versions not stated): 1000 Genomes Project 0.08726; 1000 Genomes Project 30x 0.08807; gnomAD 0.14286 and 0.14683; TOPMed 0.14611.
gnomAD v4.1: 21,802 of 152,228 alleles (14%); highest among the groups gnomAD compares: Non-Finnish European, 19%; 1,772 homozygotes.

Submission:

International Society for Gastrointestinal Hereditary Tumours (InSiGHT)
Classification: Benign for Lynch Syndrome. Last evaluated: 2013-09-05. Review status: reviewed by expert panel. Criteria: Guidelines v1.9. Collection method: research. Allele origin: germline.
Comment: MAF >1%

Classified with v1.9 guidelines
ClinVar note: Converted during submission from no known pathogenicity to Benign.

NM_000179.3(MSH6):c.260+2467A>G

Gene: MSH6 (mutS homolog 6; plus strand). Cytogenetic location: 2p16.3.
Variant type: single nucleotide variant.
Coding change: c.260+2467A>G on transcript NM_000179.3 (MANE Select); 2467 bases into the intron after coding-DNA position 260, A replaced by G.
Molecular consequence: intron variant.
Genome position (GRCh38, 1-based): chr2:47,785,960, A>G. VCF-style: chr2-47785960-A-G. GRCh37 (hg19) VCF-style: chr2-48013099-A-G.
Other names: c.-477+2467A>G (NM_001281493.2); c.237+2490A>G (NM_001281492.2); c.-643+1855A>G (NM_001281494.2).
Identifiers: ClinVar variation 89296 (VCV000089296.3), dbSNP rs3136247, ClinGen allele CA010539.